The following is an entry in ClinVar:

NM_021625.5(TRPV4):c.2307C>T (p.Asp769=)

Gene: TRPV4 (transient receptor potential cation channel subfamily V member 4; minus strand). Cytogenetic location: 12q24.11.
Variant type: single nucleotide variant.
Coding change: c.2307C>T on transcript NM_021625.5 (MANE Select); coding-DNA position 2307, C replaced by T.
Protein change: p.Asp769=; no amino-acid change (aspartic acid 769 retained).
Molecular consequence: synonymous variant.
Genome position (GRCh38, 1-based): chr12:109,786,739, G>A on the plus strand (C>T on the coding strand, the complement: TRPV4 is on the minus strand). VCF-style: chr12-109786739-G-A. GRCh37 (hg19) VCF-style: chr12-110224544-G-A.
Other names: c.2166C>T, p.Asp722= (NM_001177428.2); c.2205C>T, p.Asp735= (NM_001177431.2); c.1986C>T, p.Asp662= (NM_001177433.2); c.2127C>T, p.Asp709= (NM_147204.3).
Identifiers: ClinVar variation 695448 (VCV000695448.12), dbSNP rs200372627, ClinGen allele CA6779966.

ClinVar aggregate classification (germline): Benign/Likely benign. Review status: criteria provided, multiple submitters, no conflicts (2 of 4 stars). 4 submissions from 4 submitters: Benign (1); Likely benign (3). Last evaluated 2025-10-28.

Conditions:
TRPV4-related disorder. Also called: TRPV4-related disorders; TRPV4-related condition.
Charcot-Marie-Tooth disease axonal type 2C (HMSN2C). Also called: CHARCOT-MARIE-TOOTH DISEASE, AXONAL, AUTOSOMAL DOMINANT, TYPE 2C; Charcot-Marie-Tooth Neuropathy Type 2C; Charcot-Marie-Tooth Disease Type 2, TRPV4-Related (CMT2C). Identifiers: Orphanet 99937, MedGen C1853710, MONDO:0011633, OMIM 606071.

Allele frequency attached by ClinVar (database versions not stated): 1000 Genomes Project 30x 0.00031; 1000 Genomes Project 0.00040; TOPMed 0.00005; ESP Exome Variant Server 0.00008; gnomAD 0.00008 and 0.00009; gnomAD exomes 0.00011 and 0.00021; ExAC 0.00025.
gnomAD v4.1: 174 of 1,613,892 alleles (0.011%); highest among the groups gnomAD compares: South Asian, 0.036%; 1 homozygote.

Submissions (4):

Labcorp Genetics (formerly Invitae), Labcorp
Classification: Benign for Charcot-Marie-Tooth disease axonal type 2C. Last evaluated: 2025-10-28. Review status: criteria provided, single submitter. Criteria: Invitae Variant Classification Sherloc (09022015). Collection method: clinical testing. Allele origin: germline.

PreventionGenetics, part of Exact Sciences
Classification: Likely benign for TRPV4-related condition. Last evaluated: 2025-06-14. Review status: criteria provided, single submitter. Criteria: ACMG Guidelines, 2015. Collection method: clinical testing. Allele origin: germline.
Comment: This variant is classified as likely benign based on ACMG/AMP sequence variant interpretation guidelines (Richards et al. 2015 PMID: 25741868, with internal and published modifications).

Blueprint Genetics
Classification: Likely benign. Last evaluated: 2023-08-21. Review status: criteria provided, single submitter. Criteria: ACMG Guidelines, 2015. Collection method: clinical testing. Allele origin: germline.

GeneDx
Classification: Likely benign. Last evaluated: 2020-01-31. Review status: criteria provided, single submitter. Criteria: GeneDx Variant Classification Process June 2021. Collection method: clinical testing. Allele origin: germline. Affected: yes.